The following is an entry in ClinVar:

NM_004958.4(MTOR):c.4171C>G (p.Arg1391Gly)

Gene: MTOR (mechanistic target of rapamycin kinase; minus strand). Cytogenetic location: 1p36.22.
Variant type: single nucleotide variant.
Coding change: c.4171C>G on transcript NM_004958.4 (MANE Select); coding-DNA position 4171, C replaced by G.
Protein change: p.Arg1391Gly; replaces arginine 1391 with glycine.
Molecular consequence: missense variant.
Genome position (GRCh38, 1-based): chr1:11,199,340, G>C on the plus strand (C>G on the coding strand, the complement: MTOR is on the minus strand). VCF-style: chr1-11199340-G-C. GRCh37 (hg19) VCF-style: chr1-11259397-G-C.
Other names: c.4171C>G, p.Arg1391Gly (NM_001386500.1); c.2923C>G, p.Arg975Gly (NM_001386501.1); short protein forms R1391G, R975G.
Identifiers: ClinVar variation 1721160 (VCV001721160.7), dbSNP rs1296711816, ClinGen allele CA338388932.
Genomic context (GRCh38, chr1:11,199,340, plus strand): 5'-CAGGGGTGGGGCCTTTCTGGAACTCCAGTTCTTTGTAGTGTAGTGCTTTGGCATATGCTC[G>C]GCACTTGGCAGCTCTCTCACCCAGCAGAACAATGCCATTGTCATCTCTCAGTGGCAGGGG-3'
Protein context (NP_004949.1, residues 1381-1401): VLLGERAAKC[Arg1391Gly]AYAKALHYKE

ClinVar aggregate classification (germline): Uncertain significance. Review status: criteria provided, multiple submitters, no conflicts (2 of 4 stars). 2 submissions from 2 submitters: Uncertain significance (2). Last evaluated 2025-08-06.
ClinVar aggregate classification (somatic clinical impact): Tier II - Potential (1 of 4 stars; one submission).

Conditions:
Rhabdomyosarcoma. Also called: Rhabdomyosarcoma (disease). Identifiers: Orphanet 780, MedGen C0035412, MeSH D012208, MONDO:0005212, HP:0002859.

Submissions (3):

GeneDx
Classification: Uncertain significance. Last evaluated: 2025-08-06. Review status: criteria provided, single submitter. Criteria: GeneDx Variant Classification Process June 2021. Collection method: clinical testing. Allele origin: germline. Affected: yes.
Comment: Not observed at significant frequency in large population cohorts (gnomAD); In silico analysis supports that this missense variant has a deleterious effect on protein structure/function; Has not been previously published as pathogenic or benign to our knowledge

Labcorp Genetics (formerly Invitae), Labcorp
Classification: Uncertain significance. Last evaluated: 2024-06-24. Review status: criteria provided, single submitter. Criteria: Invitae Variant Classification Sherloc (09022015). Collection method: clinical testing. Allele origin: germline.
Comment: This sequence change replaces arginine, which is basic and polar, with glycine, which is neutral and non-polar, at codon 1391 of the MTOR protein (p.Arg1391Gly). This variant is not present in population databases (gnomAD no frequency). This variant has not been reported in the literature in individuals affected with MTOR-related conditions. ClinVar contains an entry for this variant (Variation ID: 1721160). Advanced modeling of protein sequence and biophysical properties (such as structural, functional, and spatial information, amino acid conservation, physicochemical variation, residue mobility, and thermodynamic stability) performed at Invitae indicates that this missense variant is not expected to disrupt MTOR protein function with a negative predictive value of 95%. In summary, the available evidence is currently insufficient to determine the role of this variant in disease. Therefore, it has been classified as a Variant of Uncertain Significance.

Institute for Genomic Medicine (IGM) Clinical Laboratory, Nationwide Children's Hospital
Classification: Tier II - Potential for Rhabdomyosarcoma. Assertion type: diagnostic. Clinical significance: supports diagnosis. Last evaluated: 2024-05-15. Review status: criteria provided, single submitter. Criteria: AMP/ASCO/CAP Guidelines, 2017. Collection method: clinical testing. Allele origin: somatic. Affected: yes.
Comment: Variant has Tier II (potential) clinical significance as a diagnostic inclusion criterion in rhabdomyosarcoma, based on the following evidence: 1) Documented in one or more cancer databases (e.g., St. Jude Pecan, COSMIC, CIViC, OncoKB). 2) Assists in diagnosis alone or along with other biomarkers based on small studies or few case reports (Evidence Level D; PMID: 32709151).

Literature cited by the submitters: PubMed 32709151 (cited by Institute for Genomic Medicine (IGM) Clinical Laboratory, Nationwide Children's Hospital).